The following is an entry in ClinVar:

ClinVar aggregate classification (germline): Uncertain significance. Review status: criteria provided, multiple submitters, no conflicts (2 of 4 stars). 3 submissions from 3 submitters: Uncertain significance (3). Last evaluated 2024-07-21.

Conditions:
Global developmental delay - lung cysts - overgrowth - Wilms tumor syndrome. Also called: GLOW Syndrome; GLOBAL DEVELOPMENTAL DELAY, LUNG CYSTS, OVERGROWTH, AND WILMS TUMOR. Identifiers: Orphanet 404476, MedGen C4748924, MONDO:0018445, OMIM 618272.
DICER1-related tumor predisposition. Also called: DICER1-related pleuropulmonary blastoma cancer predisposition syndrome; DICER1 syndrome. Identifiers: Orphanet 284343, MedGen C3839822, MONDO:0100216.
Hereditary cancer-predisposing syndrome. Also called: Hereditary Cancer Syndrome; Tumor predisposition; Neoplastic Syndromes, Hereditary; Hereditary neoplastic syndrome. Identifiers: Orphanet 140162, MedGen C0027672, MeSH D009386, MONDO:0015356.

Allele frequency attached by ClinVar (database versions not stated): gnomAD exomes below 0.00001; ExAC 0.00001.

Submissions (3):

Labcorp Genetics (formerly Invitae), Labcorp
Classification: Uncertain significance for DICER1-related tumor predisposition. Last evaluated: 2024-07-21. Review status: criteria provided, single submitter. Criteria: Invitae Variant Classification Sherloc (09022015). Collection method: clinical testing. Allele origin: germline.
Comment: This sequence change replaces glutamine, which is neutral and polar, with proline, which is neutral and non-polar, at codon 812 of the DICER1 protein (p.Gln812Pro). This variant is present in population databases (rs750049051, gnomAD 0.0009%). This variant has not been reported in the literature in individuals affected with DICER1-related conditions. ClinVar contains an entry for this variant (Variation ID: 653119). An algorithm developed to predict the effect of missense changes on protein structure and function (PolyPhen-2) suggests that this variant is likely to be disruptive. In summary, the available evidence is currently insufficient to determine the role of this variant in disease. Therefore, it has been classified as a Variant of Uncertain Significance.

Ambry Genetics
Classification: Uncertain significance for Hereditary cancer-predisposing syndrome. Last evaluated: 2024-02-15. Review status: criteria provided, single submitter. Criteria: Ambry Variant Classification Scheme 2023. Collection method: clinical testing. Allele origin: germline.
Comment: The p.Q812P variant (also known as c.2435A>C), located in coding exon 14 of the DICER1 gene, results from an A to C substitution at nucleotide position 2435. The glutamine at codon 812 is replaced by proline, an amino acid with similar properties. This amino acid position is well conserved in available vertebrate species. In addition, the in silico prediction for this alteration is inconclusive. Based on the available evidence, the clinical significance of this alteration remains unclear.

Baylor Genetics
Classification: Uncertain significance for Global developmental delay - lung cysts - overgrowth - Wilms tumor syndrome. Last evaluated: 2023-12-12. Review status: criteria provided, single submitter. Criteria: ACMG Guidelines, 2015. Collection method: clinical testing. Allele origin: unknown.

NM_177438.3(DICER1):c.2435A>C (p.Gln812Pro)

Gene: DICER1 (dicer 1, ribonuclease III; minus strand). Cytogenetic location: 14q32.13.
Variant type: single nucleotide variant.
Coding change: c.2435A>C on transcript NM_177438.3 (MANE Select); coding-DNA position 2435, A replaced by C.
Protein change: p.Gln812Pro; replaces glutamine 812 with proline.
Molecular consequence: missense variant.
Genome position (GRCh38, 1-based): chr14:95,108,325, T>G on the plus strand (A>C on the coding strand, the complement: DICER1 is on the minus strand). VCF-style: chr14-95108325-T-G. GRCh37 (hg19) VCF-style: chr14-95574662-T-G.
Other names: c.2435A>C, p.Gln812Pro (NM_001195573.1, NM_001271282.3, NM_001291628.2 and 1 more transcripts); short protein forms Q812P.
Identifiers: ClinVar variation 653119 (VCV000653119.15), dbSNP rs750049051, ClinGen allele CA7331246.